The following is an entry in ClinVar:

ClinVar aggregate classification (germline): Uncertain significance (1 of 4 stars; one submission).

Conditions:
Focal segmental glomerulosclerosis 5 (FSGS5). Identifiers: Orphanet 656, MedGen C2750475, MONDO:0013191, OMIM 613237.
Charcot-Marie-Tooth disease dominant intermediate E. Also called: CHARCOT-MARIE-TOOTH NEUROPATHY WITH FOCAL SEGMENTAL GLOMERULONEPHRITIS. Identifiers: Orphanet 93114, MedGen C4302667, MONDO:0013758, OMIM 614455.

Submission:

Labcorp Genetics (formerly Invitae), Labcorp
Classification: Uncertain significance for Charcot-Marie-Tooth disease dominant intermediate E; Focal segmental glomerulosclerosis 5. Last evaluated: 2024-10-15. Review status: criteria provided, single submitter. Criteria: Invitae Variant Classification Sherloc (09022015). Collection method: clinical testing. Allele origin: germline.
Comment: This sequence change replaces threonine, which is neutral and polar, with isoleucine, which is neutral and non-polar, at codon 631 of the INF2 protein (p.Thr631Ile). This variant is not present in population databases (gnomAD no frequency). This variant has not been reported in the literature in individuals affected with INF2-related conditions. ClinVar contains an entry for this variant (Variation ID: 1026159). Invitae Evidence Modeling of protein sequence and biophysical properties (such as structural, functional, and spatial information, amino acid conservation, physicochemical variation, residue mobility, and thermodynamic stability) indicates that this missense variant is not expected to disrupt INF2 protein function with a negative predictive value of 95%. In summary, the available evidence is currently insufficient to determine the role of this variant in disease. Therefore, it has been classified as a Variant of Uncertain Significance.

NM_022489.4(INF2):c.1892C>T (p.Thr631Ile)

Gene: INF2 (inverted formin 2; plus strand). Cytogenetic location: 14q32.33.
Variant type: single nucleotide variant.
Coding change: c.1892C>T on transcript NM_022489.4 (MANE Select); coding-DNA position 1892, C replaced by T.
Protein change: p.Thr631Ile; replaces threonine 631 with isoleucine.
Molecular consequence: missense variant.
Genome position (GRCh38, 1-based): chr14:104,708,675, C>T. VCF-style: chr14-104708675-C-T. GRCh37 (hg19) VCF-style: chr14-105175012-C-T.
Other names: c.1892C>T, p.Thr631Ile (NM_001031714.4); short protein forms T631I.
Identifiers: ClinVar variation 1026159 (VCV001026159.9), dbSNP rs1595172697, ClinGen allele CA391219002.